The following is an entry in ClinVar:

ClinVar aggregate classification (germline): Uncertain significance (1 of 4 stars; one submission).

Submission:

Labcorp Genetics (formerly Invitae), Labcorp
Classification: Uncertain significance. Last evaluated: 2023-06-13. Review status: criteria provided, single submitter. Criteria: Invitae Variant Classification Sherloc (09022015). Collection method: clinical testing. Allele origin: germline.
Comment: This sequence change creates a premature translational stop signal (p.Lys276Argfs*11) in the CCT2 gene. It is expected to result in an absent or disrupted protein product. However, the current clinical and genetic evidence is not sufficient to establish whether loss-of-function variants in CCT2 cause disease. In summary, the available evidence is currently insufficient to determine the role of this variant in disease. Therefore, it has been classified as a Variant of Uncertain Significance. ClinVar contains an entry for this variant (Variation ID: 1998654). This variant has not been reported in the literature in individuals affected with CCT2-related conditions. This variant is not present in population databases (gnomAD no frequency).

NM_006431.3(CCT2):c.827_830del (p.Lys276fs)

Gene: CCT2 (chaperonin containing TCP1 subunit 2; plus strand). Cytogenetic location: 12q15.
Variant type: Deletion.
Coding change: c.827_830del on transcript NM_006431.3 (MANE Select); coding-DNA positions 827 to 830, 4 bases deleted (AGGA; older notation c.827_830delAGGA).
Protein change: p.Lys276fs; shifts the reading frame from lysine 276.
Molecular consequence: frameshift variant.
Genome position (GRCh38, 1-based): chr12:69,593,052-69,593,055, AGGA deleted; deleting any 4 consecutive bases within chr12:69,593,050-69,593,055 gives the same sequence; the c. name uses the placement nearest the transcript's 3' end. VCF-style (leftmost placement, unchanged base first): chr12-69593049-TGAAG-T. GRCh37 (hg19) VCF-style: chr12-69986829-TGAAG-T.
Other names: c.686_689del, p.Lys229fs (NM_001198842.2); short protein forms K229fs, K276fs.
Identifiers: ClinVar variation 1998654 (VCV001998654.4), dbSNP rs2499000348, ClinGen allele CA2580086678.